The following is an entry in ClinVar:

NM_001142800.2(EYS):c.1345A>T (p.Lys449Ter)

Gene: EYS (EGF-like photoreceptor maintenance factor; minus strand). Cytogenetic location: 6q12.
Variant type: single nucleotide variant.
Coding change: c.1345A>T on transcript NM_001142800.2 (MANE Select); coding-DNA position 1345, A replaced by T.
Protein change: p.Lys449Ter; replaces lysine 449 with a stop codon.
Molecular consequence: nonsense.
Genome position (GRCh38, 1-based): chr6:65,353,572, T>A on the plus strand (A>T on the coding strand, the complement: EYS is on the minus strand). VCF-style: chr6-65353572-T-A. GRCh37 (hg19) VCF-style: chr6-66063465-T-A.
Other names: c.1345A>T, p.Lys449Ter (NM_001142801.2, NM_001292009.2, NM_198283.2); short protein forms K449*.
Identifiers: ClinVar variation 143100 (VCV000143100.4), dbSNP rs527236077, ClinGen allele CA270049.

ClinVar aggregate classification (germline): Pathogenic. Review status: criteria provided, multiple submitters, no conflicts (2 of 4 stars). 3 submissions from 3 submitters: Pathogenic (2). 1 of the submissions does not count toward it. Last evaluated 2025-11-28.

Conditions:
Retinitis pigmentosa (RP). Identifiers: Orphanet 791, MedGen C0035334, MeSH D012174, MONDO:0019200, OMIM 268000. Inheritance: Autosomal dominant, autosomal recessive and X linked inheritance.
Retinitis pigmentosa 25 (RP25). Identifiers: Orphanet 791, MedGen C1864446, MONDO:0011272, OMIM 602772.

Submissions (3):

Ophthalmology, Kobe City Eye Hospital
Classification: Pathogenic for Retinitis pigmentosa 25. Last evaluated: 2025-11-28. Review status: criteria provided, single submitter. Criteria: Fujinami et al. (Jpn J Ophthalmol. 2024). Collection method: research. Allele origin: germline. Affected: yes. Observed: 1 variant allele.
Comment: This variant was classified according to the ACMG/AMP guidelines. PVS1_VeryStrong: This null variant is predicted to result in loss of normal protein function, and loss of function is an established disease mechanism for EYS-associated retinitis pigmentosa. PMIDs: 18836446, 20333770. PM2_Moderate: This variant is absent or extremely rare in large population databases such as gnomAD, consistent with a recessive disease mechanism. Based on PVS1_VeryStrong, PM2_Moderate, PM3_Moderate, this variant is classified as pathogenic.

Myriad Genetics, Inc.
Classification: Pathogenic for Retinitis pigmentosa 25. Last evaluated: 2024-05-14. Review status: criteria provided, single submitter. Criteria: Myriad Autosomal Dominant, Autosomal Recessive and X-Linked Classification Criteria (2023). Collection method: clinical testing. Allele origin: unknown.
Comment: NM_001142800.1(EYS):c.1345A>T(K449*) is expected to be pathogenic in the context of retinitis pigmentosa, EYS-related. This variant is predicted to lead to an abnormal or absent protein product due to the creation of a premature termination codon in EYS, a gene where loss-of-function variants are known to be pathogenic. Please note: this variant was assessed in the context of healthy population screening.

Department of Ophthalmology and Visual Sciences Kyoto University
Classification: Likely pathogenic for Retinitis pigmentosa. Review status: no assertion criteria provided. Collection method: not provided. Allele origin: unknown. Not counted in ClinVar's aggregate classification.
ClinVar note: Converted during submission from probable-pathogenic to Likely pathogenic.

Literature cited by the submitters: 18836446, 20333770 (cited by Ophthalmology, Kobe City Eye Hospital).